The following is an entry in ClinVar:

NM_006070.6(TFG):c.1178C>A (p.Thr393Asn)

Gene: TFG (trafficking from ER to golgi regulator; plus strand). Cytogenetic location: 3q12.2.
Variant type: single nucleotide variant.
Coding change: c.1178C>A on transcript NM_006070.6 (MANE Select); coding-DNA position 1178, C replaced by A.
Protein change: p.Thr393Asn; replaces threonine 393 with asparagine.
Molecular consequence: missense variant.
Genome position (GRCh38, 1-based): chr3:100,748,506, C>A. VCF-style: chr3-100748506-C-A. GRCh37 (hg19) VCF-style: chr3-100467350-C-A.
Other names: c.1178C>A, p.Thr393Asn (NM_001007565.2, NM_001195478.2); c.1166C>A, p.Thr389Asn (NM_001195479.2); short protein forms T389N, T393N.
Identifiers: ClinVar variation 2053085 (VCV002053085.4), dbSNP rs758874813, ClinGen allele CA2517268.

ClinVar aggregate classification (germline): Uncertain significance (1 of 4 stars; one submission).

Conditions:
Hereditary spastic paraplegia 57. Also called: Spastic paraplegia 57, autosomal recessive. Identifiers: Orphanet 431329, MedGen C3714897, MONDO:0014295, OMIM 615658.
Hereditary motor and sensory neuropathy, Okinawa type (HMSNO). Also called: HEREDITARY MOTOR AND SENSORY NEUROPATHY, PROXIMAL TYPE. Identifiers: Orphanet 90117, MedGen C1858338, MONDO:0011468, OMIM 604484.

Allele frequency attached by ClinVar (database versions not stated): gnomAD exomes 0.00001; ExAC 0.00001.
gnomAD v4.1: 10 of 1,613,160 alleles (0.00062%); highest among the groups gnomAD compares: East Asian, 0.011%; no homozygotes.

Submission:

Labcorp Genetics (formerly Invitae), Labcorp
Classification: Uncertain significance for Hereditary motor and sensory neuropathy, Okinawa type; Hereditary spastic paraplegia 57. Last evaluated: 2022-09-09. Review status: criteria provided, single submitter. Criteria: Invitae Variant Classification Sherloc (09022015). Collection method: clinical testing. Allele origin: germline.
Comment: This variant is present in population databases (rs758874813, gnomAD 0.02%). This sequence change replaces threonine, which is neutral and polar, with asparagine, which is neutral and polar, at codon 393 of the TFG protein (p.Thr393Asn). This variant has not been reported in the literature in individuals affected with TFG-related conditions. In summary, the available evidence is currently insufficient to determine the role of this variant in disease. Therefore, it has been classified as a Variant of Uncertain Significance. Advanced modeling of protein sequence and biophysical properties (such as structural, functional, and spatial information, amino acid conservation, physicochemical variation, residue mobility, and thermodynamic stability) performed at Invitae indicates that this missense variant is not expected to disrupt TFG protein function.